The following is an entry in ClinVar:

NM_002335.4(LRP5):c.4355C>A (p.Ala1452Glu)

Gene: LRP5 (LDL receptor related protein 5; plus strand). Cytogenetic location: 11q13.2.
Variant type: single nucleotide variant.
Coding change: c.4355C>A on transcript NM_002335.4 (MANE Select); coding-DNA position 4355, C replaced by A.
Protein change: p.Ala1452Glu; replaces alanine 1452 with glutamic acid.
Molecular consequence: missense variant.
Genome position (GRCh38, 1-based): chr11:68,439,783, C>A. VCF-style: chr11-68439783-C-A. GRCh37 (hg19) VCF-style: chr11-68207251-C-A.
Other names: c.2612C>A, p.Ala871Glu (NM_001291902.2); short protein forms A871E, A1452E.
Identifiers: ClinVar variation 4699845 (VCV004699845.1).

ClinVar aggregate classification (germline): Uncertain significance (1 of 4 stars; one submission).

Submission:

Labcorp Genetics (formerly Invitae), Labcorp
Classification: Uncertain significance. Last evaluated: 2025-06-12. Review status: criteria provided, single submitter. Criteria: Invitae Variant Classification Sherloc (09022015). Collection method: clinical testing. Allele origin: germline.
Comment: This sequence change replaces alanine, which is neutral and non-polar, with glutamic acid, which is acidic and polar, at codon 1452 of the LRP5 protein (p.Ala1452Glu). The frequency data for this variant in the population databases is considered unreliable, as metrics indicate poor data quality at this position in the gnomAD database. This variant has not been reported in the literature in individuals affected with LRP5-related conditions. Invitae Evidence Modeling of protein sequence and biophysical properties (such as structural, functional, and spatial information, amino acid conservation, physicochemical variation, residue mobility, and thermodynamic stability) indicates that this missense variant is not expected to disrupt LRP5 protein function with a negative predictive value of 95%. In summary, the available evidence is currently insufficient to determine the role of this variant in disease. Therefore, it has been classified as a Variant of Uncertain Significance.